The following is an entry in ClinVar:

ClinVar aggregate classification (germline): Uncertain significance. Review status: criteria provided, multiple submitters, no conflicts (2 of 4 stars). 3 submissions from 3 submitters: Uncertain significance (3). Last evaluated 2025-08-06.

Conditions:
Hereditary cancer-predisposing syndrome. Also called: Neoplastic Syndromes, Hereditary; Hereditary Cancer Syndrome; Hereditary neoplastic syndrome; Tumor predisposition. Identifiers: Orphanet 140162, MedGen C0027672, MeSH D009386, MONDO:0015356.
EGFR-related lung cancer (EGFR). Identifiers: MedGen CN130014.

Allele frequency attached by ClinVar (database versions not stated): gnomAD exomes below 0.00001.
gnomAD v4.1: 1 of 1,614,080 alleles (0.000062%); highest among the groups gnomAD compares: Admixed American, 0.0017%; no homozygotes.

Submissions (3):

Quest Diagnostics Nichols Institute San Juan Capistrano
Classification: Uncertain significance. Last evaluated: 2025-08-06. Review status: criteria provided, single submitter. Criteria: Quest Diagnostics criteria. Collection method: clinical testing. Allele origin: unknown.
Comment: The EGFR c.2353A>G (p.Thr785Ala) variant has been reported in the published literature in individuals with non-small cell lung cancer (PMID: 34008923 (2021)) and malignant peritoneal mesothelioma (PMID: 20942962 (2010)). This variant has not been reported in large, multi-ethnic general populations (Genome Aggregation Database). Analysis of this variant using bioinformatics tools for the prediction of the effect of amino acid changes on protein structure and function yielded conflicting predictions that this variant is deleterious or benign. Based on the available information, we are unable to determine the clinical significance of this variant.

Ambry Genetics
Classification: Uncertain significance for Hereditary cancer-predisposing syndrome. Last evaluated: 2025-07-08. Review status: criteria provided, single submitter. Criteria: Ambry Variant Classification Scheme 2023. Collection method: clinical testing. Allele origin: germline.
Comment: The p.T785A variant (also known as c.2353A>G), located in coding exon 20 of the EGFR gene, results from an A to G substitution at nucleotide position 2353. The threonine at codon 785 is replaced by alanine, an amino acid with similar properties. This amino acid position is well conserved in available vertebrate species. In addition, the in silico prediction for this alteration is inconclusive. Based on the available evidence, the clinical significance of this variant remains unclear.

Labcorp Genetics (formerly Invitae), Labcorp
Classification: Uncertain significance for EGFR-related lung cancer. Last evaluated: 2023-07-28. Review status: criteria provided, single submitter. Criteria: Invitae Variant Classification Sherloc (09022015). Collection method: clinical testing. Allele origin: germline.
Comment: Experimental studies have shown that this missense change affects EGFR function (PMID: 20942962). This sequence change replaces threonine, which is neutral and polar, with alanine, which is neutral and non-polar, at codon 785 of the EGFR protein (p.Thr785Ala). This variant is not present in population databases (gnomAD no frequency). This variant has not been reported in the literature in individuals affected with EGFR-related conditions. ClinVar contains an entry for this variant (Variation ID: 1061306). Advanced modeling of protein sequence and biophysical properties (such as structural, functional, and spatial information, amino acid conservation, physicochemical variation, residue mobility, and thermodynamic stability) performed at Invitae indicates that this missense variant is not expected to disrupt EGFR protein function. In summary, the available evidence is currently insufficient to determine the role of this variant in disease. Therefore, it has been classified as a Variant of Uncertain Significance.

Literature cited by the submitters: PubMed 20942962 (cited by Quest Diagnostics Nichols Institute San Juan Capistrano and Labcorp Genetics (formerly Invitae), Labcorp); PubMed 28188106 (cited by Quest Diagnostics Nichols Institute San Juan Capistrano); PubMed 34008923 (cited by Quest Diagnostics Nichols Institute San Juan Capistrano); PubMed 39533107 (cited by Quest Diagnostics Nichols Institute San Juan Capistrano); PubMed 39693475 (cited by Quest Diagnostics Nichols Institute San Juan Capistrano).

NM_005228.5(EGFR):c.2353A>G (p.Thr785Ala)

Genes: EGFR (epidermal growth factor receptor; plus strand), EGFR-AS1 (EGFR antisense RNA 1; minus strand). Cytogenetic location: 7p11.2.
Variant type: single nucleotide variant.
Coding change: c.2353A>G on transcript NM_005228.5 (MANE Select); coding-DNA position 2353, A replaced by G.
Protein change: p.Thr785Ala; replaces threonine 785 with alanine.
Molecular consequence: missense variant. On other transcripts: non-coding transcript variant (1).
Genome position (GRCh38, 1-based): chr7:55,181,362, A>G. VCF-style: chr7-55181362-A-G. GRCh37 (hg19) VCF-style: chr7-55249055-A-G.
Other names: c.2353A>G (NM_005228.3, NM_005228.4); c.2218A>G, p.Thr740Ala (NM_001346897.2, NM_001346899.2); c.2353A>G, p.Thr785Ala (NM_001346898.2); c.2194A>G, p.Thr732Ala (NM_001346900.2); c.1552A>G, p.Thr518Ala (NM_001346941.2); short protein forms T518A, T732A, T740A, T785A.
Identifiers: ClinVar variation 1061306 (VCV001061306.11), dbSNP rs2128958596, ClinGen allele CA367578819.